The following is an entry in ClinVar:

ClinVar aggregate classification (germline): Likely pathogenic (1 of 4 stars; one submission).

Submission:

GeneDx
Classification: Likely pathogenic. Last evaluated: 2020-12-15. Review status: criteria provided, single submitter. Criteria: GeneDx Variant Classification Process June 2021. Collection method: clinical testing. Allele origin: germline. Affected: yes.
Comment: Has not been previously published as pathogenic or benign to our knowledge; Not observed in large population cohorts (Lek et al., 2016); The majority of missense variants in this gene are considered pathogenic (Stenson et al., 2014)

NM_001399.5(EDA):c.607C>A (p.Pro203Thr)

Gene: EDA (ectodysplasin A; plus strand). Cytogenetic location: Xq13.1.
Variant type: single nucleotide variant.
Coding change: c.607C>A on transcript NM_001399.5 (MANE Select); coding-DNA position 607, C replaced by A.
Protein change: p.Pro203Thr; replaces proline 203 with threonine.
Molecular consequence: missense variant.
Genome position (GRCh38, 1-based): chrX:70,027,937, C>A. VCF-style: chrX-70027937-C-A. GRCh37 (hg19) VCF-style: chrX-69247787-C-A.
Other names: c.607C>A, p.Pro203Thr (NM_001005609.2, NM_001005612.3); short protein forms P203T.
Identifiers: ClinVar variation 1190348 (VCV001190348.2), dbSNP rs397516671, ClinGen allele CA413448337.